The following is an entry in ClinVar:

NM_002585.4(PBX1):c.869G>T (p.Arg290Leu)

Gene: PBX1 (PBX homeobox 1; plus strand). Cytogenetic location: 1q23.3.
Variant type: single nucleotide variant.
Coding change: c.869G>T on transcript NM_002585.4 (MANE Select); coding-DNA position 869, G replaced by T.
Protein change: p.Arg290Leu; replaces arginine 290 with leucine.
Molecular consequence: missense variant.
Genome position (GRCh38, 1-based): chr1:164,812,021, G>T. VCF-style: chr1-164812021-G-T. GRCh37 (hg19) VCF-style: chr1-164781258-G-T.
Other names: c.869G>T, p.Arg290Leu (NM_001204961.2, NM_001204963.2, NM_001353131.2); c.620G>T, p.Arg207Leu (NM_001353130.1); short protein forms R207L, R290L.
Identifiers: ClinVar variation 4073620 (VCV004073620.1).

ClinVar aggregate classification (germline): Pathogenic (0 of 4 stars; one submission).

Conditions:
coracoclavicular ankylosis.

Submission:

Division of Medical Genetics, Kanagawa Children s Medical Center
Classification: Pathogenic for coracoclavicular ankylosis. Last evaluated: 2025-07-08. Review status: no assertion criteria provided. Collection method: research. Allele origin: germline. Inheritance: Autosomal dominant inheritance. Affected: yes. Observed: 1 heterozygote.
Comment: The NM_002585.4 c.869G>T, p.(Arg290Leu) is a missense variant in PBX1, that has never been reported. The variant has been identified as a de novo occurrence (PS2). The Arg290 is a highly conserved residue located within the homeobox domain of PBX1 (PM1). The p.(Arg290Leu) variant is not found in the Genome Aggregation Database v4.1.0 (PM2). The c.868C>T, p.(Arg290Trp) alteration was recorded in a previous report (Ruscitti, 2022) (PM5). Several predictive values including REVEL, CADD, AlphaMissense revealed high scores (PP3). In summary, this variant meets criteria to be classified as pathogenic for PBX1 related skeletal disorder based on the ACMG/AMP criteria: PS2, PM1, PM2, PM5, PP3.